The following is an entry in ClinVar:

ClinVar aggregate classification (germline): Uncertain significance. Review status: criteria provided, multiple submitters, no conflicts (2 of 4 stars). 2 submissions from 2 submitters: Uncertain significance (2). Last evaluated 2024-05-03.

Allele frequency attached by ClinVar (database versions not stated): TOPMed below 0.00001; gnomAD 0.00001.
gnomAD v4.1: 16 of 1,601,278 alleles (0.001%); highest among the groups gnomAD compares: Middle Eastern, 0.034%; no homozygotes.

Submissions (2):

Blueprint Genetics
Classification: Uncertain significance. Last evaluated: 2024-05-03. Review status: criteria provided, single submitter. Criteria: ACMG Guidelines, 2015. Collection method: clinical testing. Allele origin: germline.

Women's Health and Genetics/Laboratory Corporation of America, LabCorp
Classification: Uncertain significance. Last evaluated: 2024-02-19. Review status: criteria provided, single submitter. Criteria: LabCorp Variant Classification Summary - May 2015. Collection method: clinical testing. Allele origin: germline.
Comment: Variant summary: DLAT c.1515A>C (p.Gln505His) results in a non-conservative amino acid change located in the 2-oxoacid dehydrogenase acyltransferase, catalytic domain (IPR001078) of the encoded protein sequence. Four of five in-silico tools predict a damaging effect of the variant on protein function. The variant allele was found at a frequency of 1.7e-05 in 237628 control chromosomes (gnomAD). The available data on variant occurrences in the general population are insufficient to allow any conclusion about variant significance. To our knowledge, no occurrence of c.1515A>C in individuals affected with Pyruvate Dehydrogenase E2 Deficiency and no experimental evidence demonstrating its impact on protein function have been reported. No submitters have cited clinical-significance assessments for this variant to ClinVar. Based on the evidence outlined above, the variant was classified as uncertain significance.

NM_001931.5(DLAT):c.1515A>C (p.Gln505His)

Genes: DLAT (dihydrolipoamide S-acetyltransferase; plus strand), PIH1D2 (PIH1 domain containing 2; minus strand). Cytogenetic location: 11q23.1.
Variant type: single nucleotide variant.
Coding change: c.1515A>C on transcript NM_001931.5 (MANE Select); coding-DNA position 1515, A replaced by C.
Protein change: p.Gln505His; replaces glutamine 505 with histidine.
Molecular consequence: missense variant. On other transcripts: non-coding transcript variant (1), intron variant (1).
Genome position (GRCh38, 1-based): chr11:112,059,903, A>C. VCF-style: chr11-112059903-A-C. GRCh37 (hg19) VCF-style: chr11-111930627-A-C.
Other names: c.1533A>C, p.Gln511His (NM_001372031.1); c.1509A>C, p.Gln503His (NM_001372032.1); c.1482A>C, p.Gln494His (NM_001372034.1); c.1407A>C, p.Gln469His (NM_001372035.1); c.1389A>C, p.Gln463His (NM_001372036.1); c.1347A>C, p.Gln449His (NM_001372037.1); c.1236A>C, p.Gln412His (NM_001372038.1); c.1200A>C, p.Gln400His (NM_001372039.1); and 4 more; short protein forms Q351H, Q364H, Q378H, Q400H, Q412H, Q449H, Q463H, Q469H.
Identifiers: ClinVar variation 3068980 (VCV003068980.3), dbSNP rs782803398, ClinGen allele CA6276958.
Genomic context (GRCh38, chr11:112,059,903, plus strand): 5'-CCTGGCACACAGGCTCTTAATAAACAGTTTTTTATTATATTTATTTTTCTTTTTAAACAG[A>C]AATCATGTTGTTGATGTCAGTGTTGCGGTCAGTACTCCTGCAGGACTCATCACACCTATT-3'
Protein context (NP_001922.2, residues 495-515): NSSWMDTVIR[Gln505His]NHVVDVSVAV